The following is an entry in ClinVar:

ClinVar aggregate classification (germline): Uncertain significance (1 of 4 stars; one submission).

Conditions:
Neurofibromatosis, type 1 (NF1). Also called: Peripheral type neurofibromatosis; VON RECKLINGHAUSEN DISEASE; NEUROFIBROMATOSIS, TYPE I, SOMATIC; Neurofibromatosis, type I. Identifiers: Orphanet 636, MedGen C0027831, MONDO:0018975, OMIM 162200. Disease mechanism: loss of function.

Submission:

Labcorp Genetics (formerly Invitae), Labcorp
Classification: Uncertain significance for Neurofibromatosis, type 1. Last evaluated: 2024-09-05. Review status: criteria provided, single submitter. Criteria: Invitae Variant Classification Sherloc (09022015). Collection method: clinical testing. Allele origin: germline.
Comment: This sequence change replaces isoleucine, which is neutral and non-polar, with serine, which is neutral and polar, at codon 878 of the NF1 protein (p.Ile878Ser). This variant is not present in population databases (gnomAD no frequency). This variant has not been reported in the literature in individuals affected with NF1-related conditions. ClinVar contains an entry for this variant (Variation ID: 1715381). Invitae Evidence Modeling of protein sequence and biophysical properties (such as structural, functional, and spatial information, amino acid conservation, physicochemical variation, residue mobility, and thermodynamic stability) has been performed for this missense variant. However, the output from this modeling did not meet the statistical confidence thresholds required to predict the impact of this variant on NF1 protein function. In summary, the available evidence is currently insufficient to determine the role of this variant in disease. Therefore, it has been classified as a Variant of Uncertain Significance.

NM_001042492.3(NF1):c.2633T>G (p.Ile878Ser)

Gene: NF1 (neurofibromin 1; plus strand). Cytogenetic location: 17q11.2.
Variant type: single nucleotide variant.
Coding change: c.2633T>G on transcript NM_001042492.3 (MANE Select); coding-DNA position 2633, T replaced by G.
Protein change: p.Ile878Ser; replaces isoleucine 878 with serine.
Molecular consequence: missense variant.
Genome position (GRCh38, 1-based): chr17:31,229,248, T>G. VCF-style: chr17-31229248-T-G. GRCh37 (hg19) VCF-style: chr17-29556266-T-G.
Other names: c.2633T>G, p.Ile878Ser (NM_000267.4); short protein forms I878S.
Identifiers: ClinVar variation 1715381 (VCV001715381.5), dbSNP rs372049168, ClinGen allele CA398984583.